The following is an entry in ClinVar:

ClinVar aggregate classification (germline): Uncertain significance (1 of 4 stars; one submission).

Allele frequency attached by ClinVar (database versions not stated): TOPMed below 0.00001; gnomAD 0.00001.
gnomAD v4.1: 1 of 1,613,844 alleles (0.000062%); highest among the groups gnomAD compares: African/African-American, 0.0013%; no homozygotes.

Submission:

Labcorp Genetics (formerly Invitae), Labcorp
Classification: Uncertain significance. Last evaluated: 2023-09-04. Review status: criteria provided, single submitter. Criteria: Invitae Variant Classification Sherloc (09022015). Collection method: clinical testing. Allele origin: germline.
Comment: This variant has not been reported in the literature in individuals affected with CLCN6-related conditions. This variant is not present in population databases (gnomAD no frequency). This sequence change creates a premature translational stop signal (p.Tyr435*) in the CLCN6 gene. It is expected to result in an absent or disrupted protein product. However, the current clinical and genetic evidence is not sufficient to establish whether loss-of-function variants in CLCN6 cause disease. In summary, the available evidence is currently insufficient to determine the role of this variant in disease. Therefore, it has been classified as a Variant of Uncertain Significance. Algorithms developed to predict the effect of sequence changes on RNA splicing suggest that this variant may create or strengthen a splice site.

NM_001286.5(CLCN6):c.1305C>A (p.Tyr435Ter)

Gene: CLCN6 (chloride voltage-gated channel 6; plus strand). Cytogenetic location: 1p36.22.
Variant type: single nucleotide variant.
Coding change: c.1305C>A on transcript NM_001286.5 (MANE Select); coding-DNA position 1305, C replaced by A.
Protein change: p.Tyr435Ter; replaces tyrosine 435 with a stop codon.
Molecular consequence: nonsense. On other transcripts: non-coding transcript variant (1).
Genome position (GRCh38, 1-based): chr1:11,833,571, C>A. VCF-style: chr1-11833571-C-A. GRCh37 (hg19) VCF-style: chr1-11893628-C-A.
Other names: c.1239C>A, p.Tyr413Ter (NM_001256959.2); short protein forms Y413*, Y435*.
Identifiers: ClinVar variation 3021607 (VCV003021607.3), dbSNP rs1251393016, ClinGen allele CA338434236.